The following is an entry in ClinVar:

NC_000009.11:g.(?_140705893)_(140706087_?)del

Gene: EHMT1 (euchromatic histone lysine methyltransferase 1; plus strand). Cytogenetic location: 9q34.3.
Variant type: Deletion.
Identifiers: ClinVar variation 3245166 (VCV003245166.1).

ClinVar aggregate classification (germline): Pathogenic (1 of 4 stars; one submission).

Conditions:
Kleefstra syndrome 1 (KLEFS1). Identifiers: Orphanet 261494, MedGen C0795833, MONDO:0027407, OMIM 610253.

Submission:

Labcorp Genetics (formerly Invitae), Labcorp
Classification: Pathogenic for Kleefstra syndrome 1. Last evaluated: 2023-01-08. Review status: criteria provided, single submitter. Criteria: Invitae Variant Classification Sherloc (09022015). Collection method: clinical testing. Allele origin: unknown.
Comment: For these reasons, this variant has been classified as Pathogenic. This variant has not been reported in the literature in individuals affected with EHMT1-related conditions. This variant is a gross deletion of the genomic region encompassing exon(s) 19 of the EHMT1 gene. This deletion is out-of-frame, and is expected to create a premature termination codon and result in an absent or disrupted protein product. Loss-of-function variants in EHMT1 are known to be pathogenic (PMID: 16826528, 19264732).

Literature cited by the submitters: PubMed 16826528; PubMed 19264732.